The following is an entry in ClinVar:

ClinVar aggregate classification (germline): Uncertain significance (1 of 4 stars; one submission).

Conditions:
Primary ciliary dyskinesia. Also called: Ciliary dyskinesia. Identifiers: Orphanet 244, MedGen C0008780, MONDO:0016575, HP:0012265.

Allele frequency attached by ClinVar (database versions not stated): gnomAD 0.00001; gnomAD exomes 0.00001 and 0.00004; TOPMed 0.00002.
gnomAD v4.1: 22 of 1,552,102 alleles (0.0014%); highest among the groups gnomAD compares: Admixed American, 0.002%; no homozygotes.

Submission:

Labcorp Genetics (formerly Invitae), Labcorp
Classification: Uncertain significance for Primary ciliary dyskinesia. Last evaluated: 2021-07-14. Review status: criteria provided, single submitter. Criteria: Invitae Variant Classification Sherloc (09022015). Collection method: clinical testing. Allele origin: germline.
Comment: This sequence change replaces arginine with cysteine at codon 78 of the CCDC39 protein (p.Arg78Cys). The arginine residue is weakly conserved and there is a large physicochemical difference between arginine and cysteine. This variant is not present in population databases (ExAC no frequency). This variant has not been reported in the literature in individuals affected with CCDC39-related conditions. Algorithms developed to predict the effect of missense changes on protein structure and function output the following: SIFT: "Tolerated"; PolyPhen-2: "Benign"; Align-GVGD: "Class C0". The cysteine amino acid residue is found in multiple mammalian species, which suggests that this missense change does not adversely affect protein function. In summary, the available evidence is currently insufficient to determine the role of this variant in disease. Therefore, it has been classified as a Variant of Uncertain Significance.

NM_181426.2(CCDC39):c.232C>T (p.Arg78Cys)

Gene: CCDC39 (coiled-coil domain 39 molecular ruler complex subunit; minus strand). Cytogenetic location: 3q26.33.
Variant type: single nucleotide variant.
Coding change: c.232C>T on transcript NM_181426.2 (MANE Select); coding-DNA position 232, C replaced by T.
Protein change: p.Arg78Cys; replaces arginine 78 with cysteine.
Molecular consequence: missense variant.
Genome position (GRCh38, 1-based): chr3:180,661,986, G>A on the plus strand (C>T on the coding strand, the complement: CCDC39 is on the minus strand). VCF-style: chr3-180661986-G-A. GRCh37 (hg19) VCF-style: chr3-180379774-G-A.
Other names: short protein forms R78C.
Identifiers: ClinVar variation 242172 (VCV000242172.6), dbSNP rs878855281, ClinGen allele CA10582143.
Genomic context (GRCh38, chr3:180,661,986, plus strand): 5'-TCACTCGTCCCAATTCTCTTTGAGCAATGGCCTTAAAATGTTCTTCACTTTCAGTCTCAC[G>A]CTCCCTTGCTTTGCAAAGAGACTACAGAATAACACACAAGATAAAAAGGCTTTTAAAATT-3'
Protein context (NP_852091.1, residues 68-88): ITQSLCKARE[Arg78Cys]ETESEEHFKA